The following is an entry in ClinVar:

NM_052844.4(DYNC2I2):c.704-26_704-14del

Genes: DYNC2I2 (dynein 2 intermediate chain 2; minus strand), LOC126860772 (CDK7 strongly-dependent group 2 enhancer GRCh37_chr9:131396972-131398171; plus strand). Cytogenetic location: 9q34.11.
Variant type: Deletion.
Coding change: c.704-26_704-14del on transcript NM_052844.4 (MANE Select); 26 bases into the intron before coding-DNA position 704 through 14 bases into the intron before coding-DNA position 704, 13 bases deleted (TCTGCCCAGGTCC).
Molecular consequence: intron variant.
Genome position (GRCh38, 1-based): chr9:128,635,781-128,635,793, GGACCTGGGCAGA deleted on the plus strand (TCTGCCCAGGTCC on the coding strand, the reverse complement: DYNC2I2 is on the minus strand); deleting any 13 consecutive bases within chr9:128,635,781-128,635,795 gives the same sequence; the c. name uses the placement nearest the transcript's 3' end. VCF-style (leftmost placement, unchanged base first): chr9-128635780-TGGACCTGGGCAGA-T. GRCh37 (hg19) VCF-style: chr9-131398059-TGGACCTGGGCAGA-T.
Identifiers: ClinVar variation 2917234 (VCV002917234.3), dbSNP rs1382875562, ClinGen allele CA590641650.

ClinVar aggregate classification (germline): Uncertain significance (1 of 4 stars; one submission).

Conditions:
Short-rib thoracic dysplasia 11 with or without polydactyly (SRTD11). Also called: SHORT-RIB THORACIC DYSPLASIA 11 WITHOUT POLYDACTYLY. Identifiers: Orphanet 474, Orphanet 93271, MedGen C3810200, MONDO:0014287, OMIM 615633.

Submission:

Labcorp Genetics (formerly Invitae), Labcorp
Classification: Uncertain significance for Short-rib thoracic dysplasia 11 with or without polydactyly. Last evaluated: 2023-06-23. Review status: criteria provided, single submitter. Criteria: Invitae Variant Classification Sherloc (09022015). Collection method: clinical testing. Allele origin: germline.
Comment: This sequence change falls in intron 4 of the WDR34 gene. It does not directly change the encoded amino acid sequence of the WDR34 protein. In summary, the available evidence is currently insufficient to determine the role of this variant in disease. Therefore, it has been classified as a Variant of Uncertain Significance. Algorithms developed to predict the effect of sequence changes on RNA splicing suggest that this variant may disrupt the consensus splice site. This variant has not been reported in the literature in individuals affected with WDR34-related conditions. The frequency data for this variant in the population databases is considered unreliable, as metrics indicate poor data quality at this position in the gnomAD database.